The following is an entry in ClinVar:

NM_033305.3(VPS13A):c.4514T>C (p.Met1505Thr)

Gene: VPS13A (vacuolar protein sorting 13 homolog A; plus strand). Cytogenetic location: 9q21.2.
Variant type: single nucleotide variant.
Coding change: c.4514T>C on transcript NM_033305.3 (MANE Select); coding-DNA position 4514, T replaced by C.
Protein change: p.Met1505Thr; replaces methionine 1505 with threonine.
Molecular consequence: missense variant.
Genome position (GRCh38, 1-based): chr9:77,315,354, T>C. VCF-style: chr9-77315354-T-C. GRCh37 (hg19) VCF-style: chr9-79930270-T-C.
Other names: p.Met1505Thr; c.4397T>C, p.Met1466Thr (NM_001018037.2); c.4514T>C, p.Met1505Thr (NM_001018038.3, NM_015186.4); c.4514T>C (NM_033305.2); short protein forms M1466T, M1505T.
Identifiers: ClinVar variation 2182489 (VCV002182489.4), dbSNP rs369262639, ClinGen allele CA5092541.

ClinVar aggregate classification (germline): Conflicting classifications of pathogenicity. Review status: criteria provided, conflicting classifications (1 of 4 stars). 4 submissions from 4 submitters: Uncertain significance (3); Likely benign (1). Last evaluated 2025-08-28.

Allele frequency attached by ClinVar (database versions not stated): TOPMed 0.00003; gnomAD 0.00005; gnomAD exomes 0.00006; ExAC 0.00008; ESP Exome Variant Server 0.00008.

Submissions (4):

Mayo Clinic Laboratories, Mayo Clinic
Classification: Uncertain significance. Last evaluated: 2025-08-28. Review status: criteria provided, single submitter. Criteria: ACMG Guidelines, 2015. Collection method: clinical testing. Allele origin: germline. Observed: 1 variant allele.
Comment: BP4_moderate

Blueprint Genetics
Classification: Likely benign. Last evaluated: 2024-08-05. Review status: criteria provided, single submitter. Criteria: ACMG Guidelines, 2015. Collection method: clinical testing. Allele origin: germline.

GeneDx
Classification: Uncertain significance. Last evaluated: 2024-05-31. Review status: criteria provided, single submitter. Criteria: GeneDx Variant Classification Process June 2021. Collection method: clinical testing. Allele origin: germline. Affected: yes.
Comment: In silico analysis indicates that this missense variant does not alter protein structure/function; Has not been previously published as pathogenic or benign to our knowledge

Labcorp Genetics (formerly Invitae), Labcorp
Classification: Uncertain significance. Last evaluated: 2022-06-23. Review status: criteria provided, single submitter. Criteria: Invitae Variant Classification Sherloc (09022015). Collection method: clinical testing. Allele origin: germline.
Comment: This sequence change replaces methionine, which is neutral and non-polar, with threonine, which is neutral and polar, at codon 1505 of the VPS13A protein (p.Met1505Thr). This variant is present in population databases (rs369262639, gnomAD 0.01%). This variant has not been reported in the literature in individuals affected with VPS13A-related conditions. Algorithms developed to predict the effect of missense changes on protein structure and function output the following: SIFT: "Tolerated"; PolyPhen-2: "Benign"; Align-GVGD: "Class C0". The threonine amino acid residue is found in multiple mammalian species, which suggests that this missense change does not adversely affect protein function. In summary, the available evidence is currently insufficient to determine the role of this variant in disease. Therefore, it has been classified as a Variant of Uncertain Significance.